The following is an entry in ClinVar:

NM_000081.4(LYST):c.4380G>T (p.Leu1460Phe)

Gene: LYST (lysosomal trafficking regulator; minus strand). Cytogenetic location: 1q42.3.
Variant type: single nucleotide variant.
Coding change: c.4380G>T on transcript NM_000081.4 (MANE Select); coding-DNA position 4380, G replaced by T.
Protein change: p.Leu1460Phe; replaces leucine 1460 with phenylalanine.
Molecular consequence: missense variant.
Genome position (GRCh38, 1-based): chr1:235,791,862, C>A on the plus strand (G>T on the coding strand, the complement: LYST is on the minus strand). VCF-style: chr1-235791862-C-A. GRCh37 (hg19) VCF-style: chr1-235955162-C-A.
Other names: c.4380G>T, p.Leu1460Phe (NM_001301365.1); c.4380G>T (NM_000081.2); short protein forms L1460F.
Identifiers: ClinVar variation 1048854 (VCV001048854.6), dbSNP rs768247031, ClinGen allele CA344959706.

ClinVar aggregate classification (germline): Uncertain significance. Review status: criteria provided, multiple submitters, no conflicts (2 of 4 stars). 3 submissions from 3 submitters: Uncertain significance (2). 1 of the submissions does not count toward it. Last evaluated 2025-08-09.

Conditions:
Chédiak-Higashi syndrome (CHS). Also called: Chediak-Higashi Syndrome. Identifiers: Orphanet 167, MedGen C0007965, MONDO:0008963, OMIM 214500.
Inborn genetic diseases. Identifiers: MedGen C0950123, MeSH D030342.

Allele frequency attached by ClinVar (database versions not stated): TOPMed below 0.00001.
gnomAD v4.1: 5 of 1,614,186 alleles (0.00031%); highest among the groups gnomAD compares: Non-Finnish European, 0.00042%; no homozygotes.

Submissions (3):

Ambry Genetics
Classification: Uncertain significance for Inborn genetic diseases. Last evaluated: 2025-08-09. Review status: criteria provided, single submitter. Criteria: Ambry Variant Classification Scheme 2023. Collection method: clinical testing. Allele origin: germline.

Labcorp Genetics (formerly Invitae), Labcorp
Classification: Uncertain significance for Chédiak-Higashi syndrome. Last evaluated: 2024-03-11. Review status: criteria provided, single submitter. Criteria: Invitae Variant Classification Sherloc (09022015). Collection method: clinical testing. Allele origin: germline.
Comment: This sequence change replaces leucine, which is neutral and non-polar, with phenylalanine, which is neutral and non-polar, at codon 1460 of the LYST protein (p.Leu1460Phe). This variant is not present in population databases (gnomAD no frequency). This variant has not been reported in the literature in individuals affected with LYST-related conditions. ClinVar contains an entry for this variant (Variation ID: 1048854). Advanced modeling of protein sequence and biophysical properties (such as structural, functional, and spatial information, amino acid conservation, physicochemical variation, residue mobility, and thermodynamic stability) performed at Invitae indicates that this missense variant is not expected to disrupt LYST protein function with a negative predictive value of 80%. In summary, the available evidence is currently insufficient to determine the role of this variant in disease. Therefore, it has been classified as a Variant of Uncertain Significance.

Department of Pathology and Laboratory Medicine, Sinai Health System
Classification: Uncertain significance. Review status: no assertion criteria provided. Collection method: clinical testing. Allele origin: unknown. Affected: yes. Study: The Canadian Open Genetics Repository (COGR). Not counted in ClinVar's aggregate classification.
Comment: The LYST p.Leu1460Phe variant was not identified in the literature nor was it identified in dbSNP, ClinVar or LOVD 3.0.The variant was identified in control databases in 1 of 251170 chromosomes at a frequency of 0.000003981 (Genome Aggregation Database March 6, 2019, v2.1.1). The variant was observed in the European (non-Finnish) population in 1 of 113504 chromosomes (freq: 0.000009), but was not observed in the African, Latino, Ashkenazi Jewish, East Asian, European (Finnish), Other or South Asian populations. The p.Leu1460 residue is conserved in mammals and computational analyses (PolyPhen-2, SIFT, AlignGVGD, BLOSUM, MutationTaster) provide inconsistent predictions regarding the impact to the protein; this information is not very predictive of pathogenicity. The variant occurs outside of the splicing consensus sequence and in silico or computational prediction software programs (SpliceSiteFinder, MaxEntScan, NNSPLICE, GeneSplicer) do not predict a difference in splicing. In summary, based on the above information the clinical significance of this variant cannot be determined with certainty at this time. This variant is classified as a variant of uncertain significance.